The following is an entry in ClinVar:

ClinVar aggregate classification (germline): Likely pathogenic (1 of 4 stars; one submission).

Conditions:
Niemann-Pick disease, type C1. Also called: NIEMANN-PICK DISEASE, VARIANT TYPE C1; NEUROVISCERAL STORAGE DISEASE WITH VERTICAL SUPRANUCLEAR OPHTHALMOPLEGIA; NIEMANN-PICK DISEASE WITH CHOLESTEROL ESTERIFICATION BLOCK; NIEMANN-PICK DISEASE WITHOUT SPHINGOMYELINASE DEFICIENCY; NIEMANN-PICK DISEASE, CHRONIC NEURONOPATHIC FORM. Identifiers: Orphanet 646, MedGen C3179455, MONDO:0009757, OMIM 257220.

Submission:

Foundation for Research in Genetics and Endocrinology, FRIGE's Institute of Human Genetics
Classification: Likely pathogenic for Niemann-Pick disease, type C1. Last evaluated: 2021-01-08. Review status: criteria provided, single submitter. Criteria: ACMG Guidelines, 2015. Collection method: clinical testing. Allele origin: germline. Inheritance: Autosomal recessive inheritance. Affected: yes. Observed: 1 variant allele, 1 homozygote.
Comment: A homozygous variant in exon 22 of the NPC1 gene that results in the amino acid substitution of Threonine to Isoleucine at codon 1093 was detected. The observed variant c.3278C>T (p.Thr1093Ile) has not been reported in the 1000 genomes and gnomAD databases. The in silico prediction of the variant are disease causing by PolyPhen-2, SIFT, LRT and MutationTaster. The reference codon is conserved across species. In summary, the variant meets our criteria to be classified as likely pathogenic.

NM_000271.5(NPC1):c.3278C>T (p.Thr1093Ile)

Gene: NPC1 (NPC intracellular cholesterol transporter 1; minus strand). Cytogenetic location: 18q11.2.
Variant type: single nucleotide variant.
Coding change: c.3278C>T on transcript NM_000271.5 (MANE Select); coding-DNA position 3278, C replaced by T.
Protein change: p.Thr1093Ile; replaces threonine 1093 with isoleucine.
Molecular consequence: missense variant.
Genome position (GRCh38, 1-based): chr18:23,535,668, G>A on the plus strand (C>T on the coding strand, the complement: NPC1 is on the minus strand). VCF-style: chr18-23535668-G-A. GRCh37 (hg19) VCF-style: chr18-21115632-G-A.
Other names: p.Thr1093Ile; short protein forms T1093I.
Identifiers: ClinVar variation 4884620 (VCV004884620.1).
Genomic context (GRCh38, chr18:23,535,668, plus strand): 5'-GTCACCAGAAATATCGCGCCCAGGGACACACCGAGGTTGAAGATAGTGTCGTCAATGATG[G>A]TCAGGTACTGTTCGTAGAAGACATAAAACACACTGGAGGGGAGAGGGGAGGCCTCATTAA-3'
Protein context (NP_000262.2, residues 1083-1103): VFYVFYEQYL[Thr1093Ile]IIDDTIFNLG